The following is an entry in ClinVar:

NM_000203.5(IDUA):c.385+1G>C

Gene: IDUA (alpha-L-iduronidase; plus strand). Cytogenetic location: 4p16.3.
Variant type: single nucleotide variant.
Coding change: c.385+1G>C on transcript NM_000203.5 (MANE Select); the canonical splice donor site of the intron after coding-DNA position 385, G replaced by C.
Molecular consequence: splice donor variant.
Genome position (GRCh38, 1-based): chr4:1,000,698, G>C. VCF-style: chr4-1000698-G-C. GRCh37 (hg19) VCF-style: chr4-994486-G-C.
Other names: c.-12+1G>C (NM_001363576.1).
Identifiers: ClinVar variation 551966 (VCV000551966.19), dbSNP rs780615798, ClinGen allele CA2801887.

ClinVar aggregate classification (germline): Pathogenic. Review status: reviewed by expert panel (3 of 4 stars). 5 submissions from 5 submitters: Pathogenic (1). 4 of the submissions do not count toward it. Last evaluated 2024-12-05.

Conditions:
Mucopolysaccharidosis type 1. Also called: Mucopolysaccharidosis Type I; IDUA deficiency; MPS I. Identifiers: Orphanet 579, MedGen C0023786, MONDO:0001586.
Hurler syndrome. Also called: Gargoylism, Hurler Syndrome; MUCOPOLYSACCHARIDOSIS TYPE IH; Severe MPS I (Hurler Syndrome). Identifiers: Orphanet 93473, MedGen C0086795, MONDO:0011758, OMIM 607014.

Allele frequency attached by ClinVar (database versions not stated): gnomAD exomes below 0.00001; ExAC 0.00001.

Submissions (5):

ClinGen Lysosomal Storage Disorder Variant Curation Expert Panel
Classification: Pathogenic for Mucopolysaccharidosis type 1. Last evaluated: 2024-12-05. Review status: reviewed by expert panel. Criteria: ClinGen LSD ACMG Specifications IDUA V1.0.0. Collection method: curation. Allele origin: germline. Inheritance: Autosomal recessive inheritance.
Comment: The NM_000203.5:c.385+1G>C variant in IDUA occurs within the canonical splice donor site of intron 3. It is predicted to cause skipping of biologically-relevant-exon 3 out of 14 exons, resulting in a frameshift leading to nonsense mediated decay in a gene in which loss-of-function is an established disease mechanism (PVS1). Two patients from a Mexican cohort have been reported with "low or no activity of α-L-iduronidase" and treated with enzyme replacement therapy. Phase was not confirmed in either patient (PMID: 25098213) (2 x 0.5 points = 1 point) (PM3). The allelic data from this patient will be used in the classification of p.Gly219 Arg and is not included here to avoid circular logic. The variant is absent in gnomAD v4.1.0. (PM2_Supporting). Another variant at the same position, c.385+1G>A (ClinGen Allele Registry ID: CA355961228), has been classified as pathogenic by the ClinGen LD VCEP (PS1_Supporting, PMID: 37352859). In summary, this variant meets the criteria to be classified as pathogenic. IDUA-specific ACMG/AMP criteria applied, as specified by the ClinGen Lysosomal Diseases Variant Curation Expert Panel (Specifications version 1.0.0: PVS1, PM3, PS1_Supporting, PM2_Supporting. (Classification approved by the ClinGen Lysosomal Diseases Variant Curation Expert Panel on December 5, 2024)

Natera, Inc.
Classification: Pathogenic for Mucopolysaccharidosis type I. Last evaluated: 2024-10-16. Review status: criteria provided, single submitter. Criteria: Natera Variant Classification Schema (03/2026). Collection method: clinical testing. Allele origin: germline. Not counted in ClinVar's aggregate classification.
Comment: The c.385+1G>C variant in IDUA is a canonical splice donor site variant predicted to affect pre-mRNA splicing, which may result in an abnormal transcript and altered protein product. This variant is expected to result in nonsense mediated decay, truncation, or a dysfunctional protein product. This variant is rare in the general population with a frequency below the threshold expected for the associated phenotype(s). This variant has been observed in one or more individuals affected with the associated recessive disease, as either homozygous or compound heterozygous with a second variant (PMID: 25098213, 36265282). Given the available evidence, this variant is classified as Pathogenic.

Labcorp Genetics (formerly Invitae), Labcorp
Classification: Pathogenic for Mucopolysaccharidosis type 1. Last evaluated: 2024-03-22. Review status: criteria provided, single submitter. Criteria: Invitae Variant Classification Sherloc (09022015). Collection method: clinical testing. Allele origin: germline. Not counted in ClinVar's aggregate classification.
Comment: This sequence change affects a donor splice site in intron 3 of the IDUA gene. It is expected to disrupt RNA splicing. Variants that disrupt the donor or acceptor splice site typically lead to a loss of protein function (PMID: 16199547), and loss-of-function variants in IDUA are known to be pathogenic (PMID: 11735025, 21480867). This variant is present in population databases (rs780615798, gnomAD no frequency). Disruption of this splice site has been observed in individuals with Hurler or Hurler/Scheie syndrome (PMID: 25098213). ClinVar contains an entry for this variant (Variation ID: 551966). Algorithms developed to predict the effect of sequence changes on RNA splicing suggest that this variant may disrupt the consensus splice site. For these reasons, this variant has been classified as Pathogenic.

Mayo Clinic Laboratories, Mayo Clinic
Classification: Pathogenic. Last evaluated: 2017-06-21. Review status: no assertion criteria provided. Collection method: clinical testing. Allele origin: unknown. Not counted in ClinVar's aggregate classification.

Counsyl
Classification: Pathogenic for Hurler syndrome. Last evaluated: 2017-05-12. Review status: no assertion criteria provided. Collection method: clinical testing. Allele origin: unknown. Not counted in ClinVar's aggregate classification.

Literature cited by the submitters: PubMed 25098213 (cited by 3 submitters); PubMed 36265282 (cited by Natera, Inc.); PubMed 16199547 (cited by Labcorp Genetics (formerly Invitae), Labcorp); PubMed 11735025 (cited by Labcorp Genetics (formerly Invitae), Labcorp); PubMed 21480867 (cited by Labcorp Genetics (formerly Invitae), Labcorp).